The following is an entry in ClinVar:

ClinVar aggregate classification (germline): Pathogenic/Likely pathogenic. Review status: criteria provided, multiple submitters, no conflicts (2 of 4 stars). 3 submissions from 3 submitters: Pathogenic (1); Likely pathogenic (2). Last evaluated 2026-01-28.

Conditions:
Combined immunodeficiency due to CD3gamma deficiency. Also called: Immunodeficiency 17; SCID-LIKE IMMUNODEFICIENCY, T CELL-PARTIAL, B CELL-POSITIVE, NK CELL-POSITIVE; Immunodeficiency 17, CD3 gamma deficient; CD3-GAMMA DEFICIENCY. Identifiers: Orphanet 169082, MedGen C3810107, MONDO:0014276, OMIM 615607.
Severe combined immunodeficiency disease. Also called: Severe Combined Immune Deficiency; Severe combined immunodeficiency. Identifiers: Orphanet 183660, MedGen C0085110, MeSH D016511, MONDO:0015974, HP:0004430. Inheritance: X-Linked or Autosomal recessive.

Submissions (3):

Labcorp Genetics (formerly Invitae), Labcorp
Classification: Pathogenic for Combined immunodeficiency due to CD3gamma deficiency. Last evaluated: 2026-01-28. Review status: criteria provided, single submitter. Criteria: Invitae Variant Classification Sherloc (09022015). Collection method: clinical testing. Allele origin: germline.
Comment: This sequence change creates a premature translational stop signal (p.Lys71Asnfs*40) in the CD3G gene. It is expected to result in an absent or disrupted protein product. Loss-of-function variants in CD3G are known to be pathogenic (PMID: 1635567, 17277165, 24910257). The frequency data for this variant in the population databases is considered unreliable, as metrics indicate poor data quality at this position in the gnomAD database. This variant has not been reported in the literature in individuals affected with CD3G-related conditions. ClinVar contains an entry for this variant (Variation ID: 541654). For these reasons, this variant has been classified as Pathogenic.

Fulgent Genetics
Classification: Likely pathogenic for Combined immunodeficiency due to CD3gamma deficiency. Last evaluated: 2024-03-24. Review status: criteria provided, single submitter. Criteria: ACMG Guidelines, 2015. Collection method: clinical testing. Allele origin: germline.

Women's Health and Genetics/Laboratory Corporation of America, LabCorp
Classification: Likely pathogenic for Severe combined immunodeficiency disease. Last evaluated: 2022-08-08. Review status: criteria provided, single submitter. Criteria: LabCorp Variant Classification Summary - May 2015. Collection method: clinical testing. Allele origin: germline.
Comment: Variant summary: CD3G c.213delA (p.Lys71AsnfsX40) results in a premature termination codon, predicted to cause a truncation of the encoded protein or absence of the protein due to nonsense mediated decay, which are commonly known mechanisms for disease. The variant allele was found at a frequency of 0.00011 in 246942 control chromosomes. This frequency is not higher than expected for a pathogenic variant in CD3G causing Severe Combined Immunodeficiency (0.00011 vs 0.00035). c.213delA has been reported in the literature in at-least one homozygous individual affected with Severe Combined Immunodeficiency whose T-B-NK+ SCID presentation was not supported by lymphocyte proliferation (example: Lee_2019). The authors reported a decrease in switched memory B cells and diminished CD40L expression with sufficient Treg suppression function. These data indicate that the variant may be associated with disease. Two clinical diagnostic laboratories have submitted clinical-significance assessments for this variant to ClinVar after 2014 and classified the variant as pathogenic, and as uncertain significance. Based on the evidence outlined above, the variant was classified as likely pathogenic.

Literature cited by the submitters: PubMed 1635567 (cited by Labcorp Genetics (formerly Invitae), Labcorp); PubMed 17277165 (cited by Labcorp Genetics (formerly Invitae), Labcorp); PubMed 24910257 (cited by Labcorp Genetics (formerly Invitae), Labcorp); PubMed 31921117 (cited by Women's Health and Genetics/Laboratory Corporation of America, LabCorp).

NM_000073.3(CD3G):c.213del (p.Lys71fs)

Genes: CD3G (CD3 gamma subunit of T-cell receptor complex; plus strand), LOC126861358 (BRD4-independent group 4 enhancer GRCh37_chr11:118220212-118221411; plus strand). Cytogenetic location: 11q23.3.
Variant type: Deletion.
Coding change: c.213del on transcript NM_000073.3 (MANE Select); coding-DNA position 213, one base deleted (A; older notation c.213delA).
Protein change: p.Lys71fs; shifts the reading frame from lysine 71.
Molecular consequence: frameshift variant.
Genome position (GRCh38, 1-based): chr11:118,349,876, A deleted; the last of 9 consecutive A bases (chr11:118,349,868-118,349,876); deleting any one gives the same sequence. VCF-style (leftmost placement, unchanged base first): chr11-118349867-TA-T. GRCh37 (hg19) VCF-style: chr11-118220582-TA-T.
Other names: c.213delA (NM_000073.2); short protein forms K71fs.
Identifiers: ClinVar variation 541654 (VCV000541654.16), dbSNP rs570768621, ClinGen allele CA6302132.